The following is an entry in ClinVar:

NC_000006.11:g.(?_158612989)_(158613189_?)del

Gene: GTF2H5 (general transcription factor IIH subunit 5; plus strand). Cytogenetic location: 6q25.3.
Variant type: Deletion.
Identifiers: ClinVar variation 1349927 (VCV001349927.7).

ClinVar aggregate classification (germline): Likely pathogenic (1 of 4 stars; one submission).

Submission:

Labcorp Genetics (formerly Invitae), Labcorp
Classification: Likely pathogenic. Last evaluated: 2022-07-19. Review status: criteria provided, single submitter. Criteria: Invitae Variant Classification Sherloc (09022015). Collection method: clinical testing. Allele origin: germline.
Comment: This variant is a gross deletion of the genomic region encompassing exon(s) 3 of the GTF2H5 gene, which includes the termination codon. This deletion extends beyond the assayed region for this gene and therefore may encompass additional genes. While this deletion is not anticipated to lead to nonsense mediated decay, it is expected to alter mRNA translation or result in a truncated protein product. This variant has not been reported in the literature in individuals affected with GTF2H5-related conditions. This variant disrupts the C-terminus of the GTF2H5 protein. Other variant(s) that disrupt this region (p.Glu55*, p.Arg56*) have been observed in individuals with GTF2H5-related conditions (PMID: 15220921, 24986372, 25620205). This suggests that this may be a clinically significant region of the protein. In summary, the currently available evidence indicates that the variant is pathogenic, but additional data are needed to prove that conclusively. Therefore, this variant has been classified as Likely Pathogenic.

Literature cited by the submitters: PubMed 15220921; PubMed 24986372; PubMed 25620205.